The following is an entry in ClinVar:

ClinVar aggregate classification (germline): Likely benign. Review status: criteria provided, multiple submitters, no conflicts (2 of 4 stars). 2 submissions from 2 submitters: Likely benign (2). Last evaluated 2024-01-01.

Allele frequency attached by ClinVar (database versions not stated): ExAC 0.00007; gnomAD 0.00007.
gnomAD v4.1: 62 of 1,613,960 alleles (0.0038%); highest among the groups gnomAD compares: East Asian, 0.0067%; no homozygotes.

Submissions (2):

CeGaT Center for Human Genetics Tuebingen
Classification: Likely benign. Last evaluated: 2024-01-01. Review status: criteria provided, single submitter. Criteria: CeGaT Center For Human Genetics Tuebingen Variant Classification Criteria Version 2. Collection method: clinical testing. Allele origin: germline. Affected: yes. Observed: 1 variant allele.
Comment: ANKRD11: BP4, BP7

Blueprint Genetics
Classification: Likely benign. Last evaluated: 2023-09-27. Review status: criteria provided, single submitter. Criteria: ACMG Guidelines, 2015. Collection method: clinical testing. Allele origin: germline.

NM_013275.6(ANKRD11):c.963C>T (p.Ser321=)

Gene: ANKRD11 (ankyrin repeat domain 11; minus strand). Cytogenetic location: 16q24.3.
Variant type: single nucleotide variant.
Coding change: c.963C>T on transcript NM_013275.6 (MANE Select); coding-DNA position 963, C replaced by T.
Protein change: p.Ser321=; no amino-acid change (serine 321 retained).
Molecular consequence: synonymous variant.
Genome position (GRCh38, 1-based): chr16:89,285,579, G>A on the plus strand (C>T on the coding strand, the complement: ANKRD11 is on the minus strand). VCF-style: chr16-89285579-G-A. GRCh37 (hg19) VCF-style: chr16-89351987-G-A.
Other names: c.963C>T, p.Ser321= (NM_001256182.2, NM_001256183.2).
Identifiers: ClinVar variation 3025875 (VCV003025875.23), dbSNP rs757230977, ClinGen allele CA8242883.